The following is an entry in ClinVar:

ClinVar aggregate classification (germline): Uncertain significance. Review status: criteria provided, multiple submitters, no conflicts (2 of 4 stars). 2 submissions from 2 submitters: Uncertain significance (2). Last evaluated 2025-03-31.

Conditions:
Primary ciliary dyskinesia 32. Also called: CILIARY DYSKINESIA, PRIMARY, 32, WITHOUT SITUS INVERSUS. Identifiers: Orphanet 244, MedGen C4225311, MONDO:0014657, OMIM 616481.
Inborn genetic diseases. Identifiers: MedGen C0950123, MeSH D030342.

Submissions (2):

Ambry Genetics
Classification: Uncertain significance for Inborn genetic diseases. Last evaluated: 2025-03-31. Review status: criteria provided, single submitter. Criteria: Ambry Variant Classification Scheme 2023. Collection method: clinical testing. Allele origin: germline.

Labcorp Genetics (formerly Invitae), Labcorp
Classification: Uncertain significance for Primary ciliary dyskinesia 32. Last evaluated: 2024-06-22. Review status: criteria provided, single submitter. Criteria: Invitae Variant Classification Sherloc (09022015). Collection method: clinical testing. Allele origin: germline.
Comment: This sequence change replaces isoleucine, which is neutral and non-polar, with threonine, which is neutral and polar, at codon 264 of the RSPH3 protein (p.Ile264Thr). This variant is not present in population databases (gnomAD no frequency). This variant has not been reported in the literature in individuals affected with RSPH3-related conditions. An algorithm developed to predict the effect of missense changes on protein structure and function (PolyPhen-2) suggests that this variant is likely to be disruptive. In summary, the available evidence is currently insufficient to determine the role of this variant in disease. Therefore, it has been classified as a Variant of Uncertain Significance.

NM_031924.8(RSPH3):c.365T>C (p.Ile122Thr)

Gene: RSPH3 (radial spoke head 3; minus strand). Cytogenetic location: 6q25.3.
Variant type: single nucleotide variant.
Coding change: c.365T>C on transcript NM_031924.8 (MANE Select); coding-DNA position 365, T replaced by C.
Protein change: p.Ile122Thr; replaces isoleucine 122 with threonine.
Molecular consequence: missense variant. On other transcripts: non-coding transcript variant (1), intron variant (1).
Genome position (GRCh38, 1-based): chr6:158,983,789, A>G on the plus strand (T>C on the coding strand, the complement: RSPH3 is on the minus strand). VCF-style: chr6-158983789-A-G. GRCh37 (hg19) VCF-style: chr6-159404821-A-G.
Other names: c.791T>C (NM_031924.4); c.631-1101T>C (NM_001346418.1); short protein forms I122T.
Identifiers: ClinVar variation 3617784 (VCV003617784.3).